The following is an entry in ClinVar:

ClinVar aggregate classification (germline): Uncertain significance (1 of 4 stars; one submission).

Submission:

Labcorp Genetics (formerly Invitae), Labcorp
Classification: Uncertain significance. Last evaluated: 2020-08-05. Review status: criteria provided, single submitter. Criteria: Invitae Variant Classification Sherloc (09022015). Collection method: clinical testing. Allele origin: germline.
Comment: In summary, the available evidence is currently insufficient to determine the role of this variant in disease. Therefore, it has been classified as a Variant of Uncertain Significance. Advanced modeling of protein sequence and biophysical properties (such as structural, functional, and spatial information, amino acid conservation, physicochemical variation, residue mobility, and thermodynamic stability) performed at Invitae indicates that this missense variant is not expected to disrupt PCYT1A protein function. This variant has not been reported in the literature in individuals with PCYT1A-related conditions. This variant is not present in population databases (ExAC no frequency). This sequence change replaces asparagine with lysine at codon 350 of the PCYT1A protein (p.Asn350Lys). The asparagine residue is weakly conserved and there is a moderate physicochemical difference between asparagine and lysine.

NM_001312673.2(PCYT1A):c.1050T>A (p.Asn350Lys)

Gene: PCYT1A (phosphate cytidylyltransferase 1A, choline; minus strand). Cytogenetic location: 3q29.
Variant type: single nucleotide variant.
Coding change: c.1050T>A on transcript NM_001312673.2 (MANE Select); coding-DNA position 1050, T replaced by A.
Protein change: p.Asn350Lys; replaces asparagine 350 with lysine.
Molecular consequence: missense variant.
Genome position (GRCh38, 1-based): chr3:196,238,742, A>T on the plus strand (T>A on the coding strand, the complement: PCYT1A is on the minus strand). VCF-style: chr3-196238742-A-T. GRCh37 (hg19) VCF-style: chr3-195965613-A-T.
Other names: c.1050T>A, p.Asn350Lys (NM_005017.4); short protein forms N350K.
Identifiers: ClinVar variation 1005926 (VCV001005926.5), dbSNP rs1724254101, ClinGen allele CA355607780.